The following is an entry in ClinVar:

ClinVar aggregate classification (germline): Conflicting classifications of pathogenicity. Review status: criteria provided, conflicting classifications (1 of 4 stars). 5 submissions from 5 submitters: Uncertain significance (3); Likely benign (2). Last evaluated 2024-06-01.

Conditions:
Hereditary cancer-predisposing syndrome. Also called: Neoplastic Syndromes, Hereditary; Hereditary Cancer Syndrome; Tumor predisposition; Hereditary neoplastic syndrome. Identifiers: Orphanet 140162, MedGen C0027672, MeSH D009386, MONDO:0015356.
Breast-ovarian cancer, familial, susceptibility to, 2 (BROVCA2). Also called: BRCA2 Hereditary Breast and Ovarian Cancer. Identifiers: Orphanet 145, MedGen C2675520, MONDO:0012933, OMIM 612555. Disease mechanism: loss of function.
Hereditary breast ovarian cancer syndrome. Also called: Hereditary breast and/or ovarian cancer syndrome; Hereditary breast and ovarian cancer; Hereditary breast and ovarian cancer syndrome; Hereditary breast and ovarian cancer syndrome (HBOC); Breast and ovarian cancer; BRCA1- and BRCA2-Associated Hereditary Breast and Ovarian Cancer. Identifiers: Orphanet 145, MedGen C0677776, MeSH D061325, MONDO:0003582. Disease mechanism: loss of function.

Submissions (5):

Ambry Genetics
Classification: Likely benign for Hereditary cancer-predisposing syndrome. Last evaluated: 2024-06-01. Review status: criteria provided, single submitter. Criteria: Ambry Variant Classification Scheme 2023. Collection method: clinical testing. Allele origin: germline.

Labcorp Genetics (formerly Invitae), Labcorp
Classification: Uncertain significance for Hereditary breast ovarian cancer syndrome. Last evaluated: 2023-08-10. Review status: criteria provided, single submitter. Criteria: Invitae Variant Classification Sherloc (09022015). Collection method: clinical testing. Allele origin: germline.
Comment: In summary, the available evidence is currently insufficient to determine the role of this variant in disease. Therefore, it has been classified as a Variant of Uncertain Significance. This variant has not been reported in the literature in individuals affected with BRCA2-related conditions. ClinVar contains an entry for this variant (Variation ID: 1692108). Advanced modeling of protein sequence and biophysical properties (such as structural, functional, and spatial information, amino acid conservation, physicochemical variation, residue mobility, and thermodynamic stability) performed at Invitae indicates that this missense variant is not expected to disrupt BRCA2 protein function. This sequence change replaces threonine, which is neutral and polar, with isoleucine, which is neutral and non-polar, at codon 933 of the BRCA2 protein (p.Thr933Ile). This variant is not present in population databases (gnomAD no frequency).

All of Us Research Program, National Institutes of Health
Classification: Uncertain significance for Breast-ovarian cancer, familial, susceptibility to, 2. Last evaluated: 2023-04-10. Review status: criteria provided, single submitter. Criteria: ACMG Guidelines, 2015. Collection method: clinical testing. Allele origin: germline. Inheritance: Autosomal dominant inheritance. Observed: 1 variant allele, 1 heterozygote.
Comment: This missense variant replaces threonine with isoleucine at codon 933 of the BRCA2 protein. Computational prediction suggests that this variant may not impact protein structure and function (internally defined REVEL score threshold <= 0.5, PMID: 27666373). To our knowledge, functional studies have not been reported for this variant. This variant has not been reported in individuals affected with BRCA2-related disorders in the literature. This variant has not been identified in the general population by the Genome Aggregation Database (gnomAD). The available evidence is insufficient to determine the role of this variant in disease conclusively. Therefore, this variant is classified as a Variant of Uncertain Significance.

This study involves interpretation of variants in research participants for the purpose of population health screening. Participant phenotype was not available at the time of variant classification. Additional details can be found in publication PMID: 35346344, PMCID: PMC8962531

University of Washington Department of Laboratory Medicine, University of Washington
Classification: Likely benign for Hereditary cancer-predisposing syndrome. Last evaluated: 2023-03-23. Review status: criteria provided, single submitter. Criteria: Dines et al. (Genet Med. 2020). Collection method: curation. Allele origin: germline.
Comment: Missense variant in a coldspot region where missense variants are very unlikely to be pathogenic (PMID:31911673).

BRCA2 exon 11 coldspot. Reclassification based on statistical prior probability.

Sema4
Classification: Uncertain significance for Hereditary cancer-predisposing syndrome. Last evaluated: 2022-02-02. Review status: criteria provided, single submitter. Criteria: Sema4 Curation Guidelines. Collection method: curation. Allele origin: germline.
Comment: The BRCA2 c.2798C>T(p.T933I) variant has not been reported in the literature to our knowledge. This variant is not reported in the population database Genome Aggregation Database (PMID: 32461654). This variant has not been reported in ClinVar. In silico tools suggest the impact of the variant on protein function is benign, though these predictions have not been confirmed by functional studies. The evidence is insufficient to meet ACMG/AMP criteria for classifying the variant as benign or pathogenic. Thus, the clinical significance of this variant is currently uncertain.

NM_000059.4(BRCA2):c.2798C>T (p.Thr933Ile)

Gene: BRCA2 (BRCA2 DNA repair associated; plus strand). Cytogenetic location: 13q13.1.
Variant type: single nucleotide variant.
Coding change: c.2798C>T on transcript NM_000059.4 (MANE Select); coding-DNA position 2798, C replaced by T.
Protein change: p.Thr933Ile; replaces threonine 933 with isoleucine.
Molecular consequence: missense variant.
Genome position (GRCh38, 1-based): chr13:32,337,153, C>T. VCF-style: chr13-32337153-C-T. GRCh37 (hg19) VCF-style: chr13-32911290-C-T.
Other names: short protein forms T933I.
Identifiers: ClinVar variation 1692108 (VCV001692108.9), dbSNP rs276174830, ClinGen allele CA387773742.